The following is an entry in ClinVar:

ClinVar aggregate classification (germline): Uncertain significance (1 of 4 stars; one submission).

Allele frequency attached by ClinVar (database versions not stated): gnomAD exomes 0.00004; ExAC 0.00005; TOPMed 0.00006; gnomAD 0.00007.
gnomAD v4.1: 70 of 1,614,200 alleles (0.0043%); highest among the groups gnomAD compares: Middle Eastern, 0.033%; no homozygotes.

Submission:

Labcorp Genetics (formerly Invitae), Labcorp
Classification: Uncertain significance. Last evaluated: 2022-04-08. Review status: criteria provided, single submitter. Criteria: Invitae Variant Classification Sherloc (09022015). Collection method: clinical testing. Allele origin: germline.
Comment: This sequence change replaces valine, which is neutral and non-polar, with methionine, which is neutral and non-polar, at codon 214 of the SLC9A1 protein (p.Val214Met). This variant is present in population databases (rs540568862, gnomAD 0.03%). This variant has not been reported in the literature in individuals affected with SLC9A1-related conditions. Algorithms developed to predict the effect of missense changes on protein structure and function are either unavailable or do not agree on the potential impact of this missense change (SIFT: "Tolerated"; PolyPhen-2: "Possibly Damaging"; Align-GVGD: "Class C0"). In summary, the available evidence is currently insufficient to determine the role of this variant in disease. Therefore, it has been classified as a Variant of Uncertain Significance.

NM_003047.5(SLC9A1):c.640G>A (p.Val214Met)

Gene: SLC9A1 (solute carrier family 9 member A1; minus strand). Cytogenetic location: 1p36.11.
Variant type: single nucleotide variant.
Coding change: c.640G>A on transcript NM_003047.5 (MANE Select); coding-DNA position 640, G replaced by A.
Protein change: p.Val214Met; replaces valine 214 with methionine.
Molecular consequence: missense variant.
Genome position (GRCh38, 1-based): chr1:27,113,999, C>T on the plus strand (G>A on the coding strand, the complement: SLC9A1 is on the minus strand). VCF-style: chr1-27113999-C-T. GRCh37 (hg19) VCF-style: chr1-27440490-C-T.
Other names: short protein forms V214M.
Identifiers: ClinVar variation 2073193 (VCV002073193.1), dbSNP rs540568862, ClinGen allele CA711294.